The following is an entry in ClinVar:

ClinVar aggregate classification (germline): Uncertain significance (1 of 4 stars; one submission).

Conditions:
Autosomal recessive limb-girdle muscular dystrophy type 2E (LGMDR4). Also called: MUSCULAR DYSTROPHY, LIMB-GIRDLE, AUTOSOMAL RECESSIVE 4. Identifiers: Orphanet 119, MedGen C1858593, MONDO:0011423, OMIM 604286. Disease mechanism: Affects gamma-sarcoglycan and also disrupts the integrity of the entire sarcoglycan complex..

Allele frequency attached by ClinVar (database versions not stated): gnomAD exomes below 0.00001; gnomAD 0.00001.

Submission:

Labcorp Genetics (formerly Invitae), Labcorp
Classification: Uncertain significance for Autosomal recessive limb-girdle muscular dystrophy type 2E. Last evaluated: 2024-11-18. Review status: criteria provided, single submitter. Criteria: Invitae Variant Classification Sherloc (09022015). Collection method: clinical testing. Allele origin: germline.
Comment: This sequence change replaces methionine, which is neutral and non-polar, with threonine, which is neutral and polar, at codon 247 of the SGCB protein (p.Met247Thr). This variant is present in population databases (no rsID available, gnomAD 0.002%). This variant has not been reported in the literature in individuals affected with SGCB-related conditions. ClinVar contains an entry for this variant (Variation ID: 1479589). Invitae Evidence Modeling of protein sequence and biophysical properties (such as structural, functional, and spatial information, amino acid conservation, physicochemical variation, residue mobility, and thermodynamic stability) indicates that this missense variant is not expected to disrupt SGCB protein function with a negative predictive value of 80%. In summary, the available evidence is currently insufficient to determine the role of this variant in disease. Therefore, it has been classified as a Variant of Uncertain Significance.

NM_000232.5(SGCB):c.740T>C (p.Met247Thr)

Gene: SGCB (sarcoglycan beta; minus strand). Cytogenetic location: 4q12.
Variant type: single nucleotide variant.
Coding change: c.740T>C on transcript NM_000232.5 (MANE Select); coding-DNA position 740, T replaced by C.
Protein change: p.Met247Thr; replaces methionine 247 with threonine.
Molecular consequence: missense variant.
Genome position (GRCh38, 1-based): chr4:52,027,981, A>G on the plus strand (T>C on the coding strand, the complement: SGCB is on the minus strand). VCF-style: chr4-52027981-A-G. GRCh37 (hg19) VCF-style: chr4-52894147-A-G.
Other names: short protein forms M247T.
Identifiers: ClinVar variation 1479589 (VCV001479589.5), dbSNP rs1283480940, ClinGen allele CA356875762.
Genomic context (GRCh38, chr4:52,027,981, plus strand): 5'-TACCCAAGAACCTAATAATTCTCTTAAGCTCTTAAAAGAATACTCACCGCCTTTAACTCC[A>G]TATTACCACCCATGTGAAATTCAATGGTTTTGCCCATAATGAATACACCTTCATTTCCAC-3'
Protein context (NP_000223.1, residues 237-257): KTIEFHMGGN[Met247Thr]ELKAENSIIL